The following is an entry in ClinVar:

ClinVar aggregate classification (germline): Likely benign (1 of 4 stars; one submission).

Allele frequency attached by ClinVar (database versions not stated): TOPMed 0.00003; 1000 Genomes Project 30x 0.00016.
gnomAD v4.1: 61 of 1,395,930 alleles (0.0044%); highest among the groups gnomAD compares: Middle Eastern, 0.11%; no homozygotes.

Submission:

CeGaT Center for Human Genetics Tuebingen
Classification: Likely benign. Last evaluated: 2022-06-01. Review status: criteria provided, single submitter. Criteria: CeGaT Center For Human Genetics Tuebingen Variant Classification Criteria Version 2. Collection method: clinical testing. Allele origin: germline. Affected: yes. Observed: 1 variant allele.
Comment: ACSS1: BP4, BP7

NM_032501.4(ACSS1):c.432-1425C>T

Gene: ACSS1 (acyl-CoA synthetase short chain family member 1; minus strand). Cytogenetic location: 20p11.21.
Variant type: single nucleotide variant.
Coding change: c.432-1425C>T on transcript NM_032501.4 (MANE Select); 1425 bases into the intron before coding-DNA position 432, C replaced by T.
Molecular consequence: intron variant. On other transcripts: synonymous variant (1).
Genome position (GRCh38, 1-based): chr20:25,032,383, G>A on the plus strand (C>T on the coding strand, the complement: ACSS1 is on the minus strand). VCF-style: chr20-25032383-G-A. GRCh37 (hg19) VCF-style: chr20-25013019-G-A.
Other names: c.54C>T, p.Phe18= (NM_001252676.2); c.432-1425C>T (NM_001252675.2, NM_001252677.2).
Identifiers: ClinVar variation 2652248 (VCV002652248.24), dbSNP rs758553860, ClinGen allele CA313652931.